The following is an entry in ClinVar:

NM_007294.4(BRCA1):c.3203T>G (p.Ile1068Ser)

Gene: BRCA1 (BRCA1 DNA repair associated; minus strand). Cytogenetic location: 17q21.31.
Variant type: single nucleotide variant.
Coding change: c.3203T>G on transcript NM_007294.4 (MANE Select); coding-DNA position 3203, T replaced by G.
Protein change: p.Ile1068Ser; replaces isoleucine 1068 with serine.
Molecular consequence: missense variant. On other transcripts: intron variant (137).
Genome position (GRCh38, 1-based): chr17:43,092,328, A>C on the plus strand (T>G on the coding strand, the complement: BRCA1 is on the minus strand). VCF-style: chr17-43092328-A-C. GRCh37 (hg19) VCF-style: chr17-41244345-A-C.
Other names: c.3062T>G, p.Ile1021Ser (NM_001407692.1, NM_001407694.1, NM_001407695.1 and 29 more transcripts); c.2990T>G, p.Ile997Ser (NM_001407571.1, NM_001407853.1, NM_001407894.1 and 9 more transcripts); c.3203T>G, p.Ile1068Ser (NM_001407581.1, NM_001407582.1, NM_001407583.1 and 30 more transcripts); c.3200T>G, p.Ile1067Ser (NM_001407587.1, NM_001407590.1, NM_001407591.1 and 22 more transcripts); c.3194T>G, p.Ile1065Ser (NM_001407646.1, NM_001407647.1); c.3080T>G, p.Ile1027Ser (NM_001407648.1, NM_001407664.1, NM_001407665.1 and 19 more transcripts); c.3077T>G, p.Ile1026Ser (NM_001407649.1, NM_001407670.1, NM_001407671.1 and 11 more transcripts); c.3125T>G, p.Ile1042Ser (NM_001407653.1, NM_001407654.1, NM_001407655.1 and 4 more transcripts); and 41 more; short protein forms I1027S, I1067S, I900S, I940S, I1001S, I1021S, I1026S, I1042S.
Identifiers: ClinVar variation 3634655 (VCV003634655.2).

ClinVar aggregate classification (germline): Uncertain significance (1 of 4 stars; one submission).

Conditions:
Hereditary breast ovarian cancer syndrome. Also called: Hereditary breast and ovarian cancer syndrome; Hereditary breast and ovarian cancer syndrome (HBOC); BRCA1- and BRCA2-Associated Hereditary Breast and Ovarian Cancer; Hereditary breast and ovarian cancer; Breast and ovarian cancer; Hereditary breast and/or ovarian cancer syndrome. Identifiers: Orphanet 145, MedGen C0677776, MeSH D061325, MONDO:0003582. Disease mechanism: loss of function.

Submission:

Labcorp Genetics (formerly Invitae), Labcorp
Classification: Uncertain significance for Hereditary breast ovarian cancer syndrome. Last evaluated: 2024-05-21. Review status: criteria provided, single submitter. Criteria: Invitae Variant Classification Sherloc (09022015). Collection method: clinical testing. Allele origin: germline.
Comment: This sequence change replaces isoleucine, which is neutral and non-polar, with serine, which is neutral and polar, at codon 1068 of the BRCA1 protein (p.Ile1068Ser). This variant is not present in population databases (gnomAD no frequency). This variant has not been reported in the literature in individuals affected with BRCA1-related conditions. Advanced modeling of protein sequence and biophysical properties (such as structural, functional, and spatial information, amino acid conservation, physicochemical variation, residue mobility, and thermodynamic stability) performed at Invitae indicates that this missense variant is not expected to disrupt BRCA1 protein function with a negative predictive value of 95%. In summary, the available evidence is currently insufficient to determine the role of this variant in disease. Therefore, it has been classified as a Variant of Uncertain Significance.